The following is an entry in ClinVar:

ClinVar aggregate classification (germline): Likely benign. Review status: criteria provided, single submitter (1 of 4 stars). 2 submissions from 2 submitters: Likely benign (1). 1 of the submissions does not count toward it. Last evaluated 2022-08-26.

Conditions:
LIFR-related disorder. Also called: LIFR-related condition.

Allele frequency attached by ClinVar (database versions not stated): gnomAD exomes below 0.00001; TOPMed below 0.00001; gnomAD 0.00001.
gnomAD v4.1: 3 of 1,614,056 alleles (0.00019%); highest among the groups gnomAD compares: African/African-American, 0.0013%; no homozygotes.

Submissions (2):

Labcorp Genetics (formerly Invitae), Labcorp
Classification: Likely benign. Last evaluated: 2022-08-26. Review status: criteria provided, single submitter. Criteria: Invitae Variant Classification Sherloc (09022015). Collection method: clinical testing. Allele origin: germline.

PreventionGenetics, part of Exact Sciences
Classification: Likely benign for LIFR-related condition. Last evaluated: 2020-11-20. Review status: no assertion criteria provided. Collection method: clinical testing. Allele origin: germline. Not counted in ClinVar's aggregate classification.
Comment: This variant is classified as likely benign based on ACMG/AMP sequence variant interpretation guidelines (Richards et al. 2015 PMID: 25741868, with internal and published modifications).

NM_001127671.2(LIFR):c.3033T>C (p.Ser1011=)

Gene: LIFR (LIF receptor subunit alpha; minus strand). Cytogenetic location: 5p13.1.
Variant type: single nucleotide variant.
Coding change: c.3033T>C on transcript NM_001127671.2 (MANE Select); coding-DNA position 3033, T replaced by C.
Protein change: p.Ser1011=; no amino-acid change (serine 1011 retained).
Molecular consequence: synonymous variant.
Genome position (GRCh38, 1-based): chr5:38,481,856, A>G on the plus strand (T>C on the coding strand, the complement: LIFR is on the minus strand). VCF-style: chr5-38481856-A-G. GRCh37 (hg19) VCF-style: chr5-38481958-A-G.
Other names: c.3033T>C, p.Ser1011= (NM_001364297.2, NM_002310.6); c.3000T>C, p.Ser1000= (NM_001364298.2); c.3033T>C (NM_002310.5).
Identifiers: ClinVar variation 1921010 (VCV001921010.7), dbSNP rs1355660599, ClinGen allele CA444098756.